The following is an entry in ClinVar:

ClinVar aggregate classification (germline): Pathogenic (1 of 4 stars; one submission).

Allele frequency attached by ClinVar (database versions not stated): gnomAD 0.00001; TOPMed 0.00001; gnomAD exomes 0.00002; ExAC 0.00005.
gnomAD v4.1: 36 of 1,613,976 alleles (0.0022%); highest among the groups gnomAD compares: Non-Finnish European, 0.0027%; no homozygotes.

Submission:

Labcorp Genetics (formerly Invitae), Labcorp
Classification: Pathogenic. Last evaluated: 2025-07-10. Review status: criteria provided, single submitter. Criteria: Invitae Variant Classification Sherloc (09022015). Collection method: clinical testing. Allele origin: germline.
Comment: This sequence change creates a premature translational stop signal (p.Gln387*) in the EARS2 gene. It is expected to result in an absent or disrupted protein product. Loss-of-function variants in EARS2 are known to be pathogenic (PMID: 22492562). This variant is present in population databases (rs767583652, gnomAD 0.004%). This variant has not been reported in the literature in individuals affected with EARS2-related conditions. ClinVar contains an entry for this variant (Variation ID: 2988193). For these reasons, this variant has been classified as Pathogenic.

Literature cited by the submitters: PubMed 22492562.

NM_001083614.2(EARS2):c.1159C>T (p.Gln387Ter)

Gene: EARS2 (glutamyl-tRNA synthetase 2, mitochondrial; minus strand). Cytogenetic location: 16p12.2.
Variant type: single nucleotide variant.
Coding change: c.1159C>T on transcript NM_001083614.2 (MANE Select); coding-DNA position 1159, C replaced by T.
Protein change: p.Gln387Ter; replaces glutamine 387 with a stop codon.
Molecular consequence: nonsense. On other transcripts: non-coding transcript variant (1).
Genome position (GRCh38, 1-based): chr16:23,529,806, G>A on the plus strand (C>T on the coding strand, the complement: EARS2 is on the minus strand). VCF-style: chr16-23529806-G-A. GRCh37 (hg19) VCF-style: chr16-23541127-G-A.
Other names: c.1159C>T, p.Gln387Ter (NM_001308211.1, NM_133451.1); short protein forms Q387*.
Identifiers: ClinVar variation 2988193 (VCV002988193.3), dbSNP rs767583652, ClinGen allele CA7962395.